The following is an entry in ClinVar:

ClinVar aggregate classification (germline): Likely benign (1 of 4 stars; one submission).

Submission:

CeGaT Center for Human Genetics Tuebingen
Classification: Likely benign. Last evaluated: 2023-05-01. Review status: criteria provided, single submitter. Criteria: CeGaT Center For Human Genetics Tuebingen Variant Classification Criteria Version 2. Collection method: clinical testing. Allele origin: germline. Affected: yes. Observed: 1 variant allele.
Comment: RNU1-47P: BS1

NC_000014.9:g.99944428G>A

Variant type: single nucleotide variant.
Genome position: GRCh38 VCF-style: chr14-99944428-G-A. GRCh37 (hg19) VCF-style: chr14-100410765-G-A.
Identifiers: ClinVar variation 2644518 (VCV002644518.23), dbSNP rs61043821, ClinGen allele CA266536322.